The following is an entry in ClinVar:

ClinVar aggregate classification (germline): Benign (1 of 4 stars; one submission).

Conditions:
Melanoma, cutaneous malignant, susceptibility to, 3. Also called: Cutaneous malignant melanoma 3. Identifiers: Orphanet 618, MedGen C1836892, MONDO:0012183, OMIM 609048.

gnomAD v4.1: 1 of 1,614,116 alleles (0.000062%); highest among the groups gnomAD compares: Non-Finnish European, 0.000085%; no homozygotes.

Submission:

Myriad Genetics, Inc.
Classification: Benign for Melanoma, cutaneous malignant, susceptibility to, 3. Last evaluated: 2024-09-25. Review status: criteria provided, single submitter. Criteria: Myriad Autosomal Dominant, Autosomal Recessive and X-Linked Classification Criteria (2023). Collection method: clinical testing. Allele origin: unknown.
Comment: This variant is considered benign. This variant is a silent/synonymous amino acid change and it is not expected to impact splicing.

NM_000075.4(CDK4):c.270C>A (p.Thr90=)

Gene: CDK4 (cyclin dependent kinase 4; minus strand). Cytogenetic location: 12q14.1.
Variant type: single nucleotide variant.
Coding change: c.270C>A on transcript NM_000075.4 (MANE Select); coding-DNA position 270, C replaced by A.
Protein change: p.Thr90=; no amino-acid change (threonine 90 retained).
Molecular consequence: synonymous variant.
Genome position (GRCh38, 1-based): chr12:57,751,291, G>T on the plus strand (C>A on the coding strand, the complement: CDK4 is on the minus strand). VCF-style: chr12-57751291-G-T. GRCh37 (hg19) VCF-style: chr12-58145074-G-T.
Identifiers: ClinVar variation 3378806 (VCV003378806.1).